The following is an entry in ClinVar:

ClinVar aggregate classification (germline): Pathogenic. Review status: reviewed by expert panel (3 of 4 stars). 3 submissions from 3 submitters: Pathogenic (1). 2 of the submissions do not count toward it. Last evaluated 2019-05-26.

Conditions:
Phenylketonuria (PKU). Also called: Phenylketonuria (PKU); FOLLING DISEASE; OLIGOPHRENIA PHENYLPYRUVICA; Phenylketonurias. Identifiers: Orphanet 716, MedGen C0031485, MONDO:0009861, OMIM 261600. Disease mechanism: loss of function.

Submissions (3):

ClinGen PAH Variant Curation Expert Panel
Classification: Pathogenic for Phenylketonuria. Last evaluated: 2019-05-26. Review status: reviewed by expert panel. Criteria: ClinGen PAH ACMG Specifications v1. Collection method: curation. Allele origin: germline. Inheritance: Autosomal recessive inheritance.
Comment: The c.504C>A (p.Tyr168Ter) variant in PAH has been previously reported in one proband with mild hyperphenylalanemia (PMID: 26666653; PP4). The proband was said to be heterozygous for the variant and also harbor the known pathogenic allele (per ClinGen PAH VCEP, see ClinVar ID 92751) c.898G>T (p.Ala300Ser); however, the phase of the variants was not confirmed via parental testing (PM3_supporting). The sequence change results in a nonsense variant which occurs in exon 5 of 13 in the in the canonical transcript of PAH, a gene fulfilling the most recent criteria for LOF being a known disease mechanism (see PMID: 30192042) (PVS1). It is absent from control databases (PM2). In summary, this variant meets criteria to be classified as pathogenic for PAH. PAH-specific ACMG/AMP criteria applied: PVS1, PM2, PP4, PM3_supporting.

Labcorp Genetics (formerly Invitae), Labcorp
Classification: Pathogenic for Phenylketonuria. Last evaluated: 2019-10-15. Review status: criteria provided, single submitter. Criteria: Invitae Variant Classification Sherloc (09022015). Collection method: clinical testing. Allele origin: germline. Not counted in ClinVar's aggregate classification.
Comment: For these reasons, this variant has been classified as Pathogenic. Loss-of-function variants in PAH are known to be pathogenic (PMID: 1301187, 9634518). This variant has been observed in an individual affected with hyperphenylalaninemia (PMID: 26666653). ClinVar contains an entry for this variant (Variation ID: 120277). This variant is not present in population databases (ExAC no frequency). This sequence change creates a premature translational stop signal (p.Tyr168*) in the PAH gene. It is expected to result in an absent or disrupted protein product.

Inserm U 954, Faculté de Médecine de Nancy
Classification: Likely pathogenic for Phenylketonuria. Review status: no assertion criteria provided. Collection method: not provided. Allele origin: unknown. Not counted in ClinVar's aggregate classification.
ClinVar note: Converted during submission from probable-pathogenic to Likely pathogenic.

Literature cited by the submitters: PubMed 26666653 (cited by ClinGen PAH Variant Curation Expert Panel and Labcorp Genetics (formerly Invitae), Labcorp); PubMed 1301187 (cited by Labcorp Genetics (formerly Invitae), Labcorp); PubMed 9634518 (cited by Labcorp Genetics (formerly Invitae), Labcorp).

NM_000277.3(PAH):c.504C>A (p.Tyr168Ter)

Gene: PAH (phenylalanine hydroxylase; minus strand). Cytogenetic location: 12q23.2.
Variant type: single nucleotide variant.
Coding change: c.504C>A on transcript NM_000277.3 (MANE Select); coding-DNA position 504, C replaced by A.
Protein change: p.Tyr168Ter; replaces tyrosine 168 with a stop codon.
Molecular consequence: nonsense.
Genome position (GRCh38, 1-based): chr12:102,866,601, G>T on the plus strand (C>A on the coding strand, the complement: PAH is on the minus strand). VCF-style: chr12-102866601-G-T. GRCh37 (hg19) VCF-style: chr12-103260379-G-T.
Other names: c.504C>A, p.Tyr168Ter (NM_001354304.2); short protein forms Y168*.
Identifiers: ClinVar variation 120277 (VCV000120277.12), dbSNP rs281865455, ClinGen allele CA267656.
Genomic context (GRCh38, chr12:102,866,601, plus strand): 5'-AGCAGGCTAGGGGTGTGTTTTTCTCTCTTCCCCTCAACAAGCAAGGCAGACTTACTGGCG[G>T]TAGTTGTAGGCAATGTCAGCAAACTGCTTCCGTCTTGCACGGTACACAGGATCTTTAAAA-3'